The following is an entry in ClinVar:

ClinVar aggregate classification (germline): Uncertain significance (1 of 4 stars; one submission).

Submission:

Labcorp Genetics (formerly Invitae), Labcorp
Classification: Uncertain significance. Last evaluated: 2025-09-04. Review status: criteria provided, single submitter. Criteria: Invitae Variant Classification Sherloc (09022015). Collection method: clinical testing. Allele origin: germline.
Comment: This sequence change replaces arginine, which is basic and polar, with serine, which is neutral and polar, at codon 247 of the PPOX protein (p.Arg247Ser). This variant is not present in population databases (gnomAD no frequency). This variant has not been reported in the literature in individuals affected with PPOX-related conditions. Invitae Evidence Modeling of protein sequence and biophysical properties (such as structural, functional, and spatial information, amino acid conservation, physicochemical variation, residue mobility, and thermodynamic stability) indicates that this missense variant is not expected to disrupt PPOX protein function with a negative predictive value of 95%. In summary, the available evidence is currently insufficient to determine the role of this variant in disease. Therefore, it has been classified as a Variant of Uncertain Significance.

NM_001122764.3(PPOX):c.741G>C (p.Arg247Ser)

Gene: PPOX (protoporphyrinogen oxidase; plus strand). Cytogenetic location: 1q23.3.
Variant type: single nucleotide variant.
Coding change: c.741G>C on transcript NM_001122764.3 (MANE Select); coding-DNA position 741, G replaced by C.
Protein change: p.Arg247Ser; replaces arginine 247 with serine.
Molecular consequence: missense variant.
Genome position (GRCh38, 1-based): chr1:161,169,117, G>C. VCF-style: chr1-161169117-G-C. GRCh37 (hg19) VCF-style: chr1-161138907-G-C.
Other names: c.741G>C, p.Arg247Ser (NM_000309.5, NM_001365398.1, NM_001365399.1); c.642G>C, p.Arg214Ser (NM_001350128.2); c.333G>C, p.Arg111Ser (NM_001350129.2, NM_001365400.1); c.255G>C, p.Arg85Ser (NM_001350130.2, NM_001350131.2, NM_001365401.1); short protein forms R214S, R111S, R85S, R247S.
Identifiers: ClinVar variation 4747923 (VCV004747923.1).